The following is an entry in ClinVar:

ClinVar aggregate classification (germline): Likely pathogenic (1 of 4 stars; one submission).

Conditions:
Congenital muscular dystrophy due to integrin alpha-7 deficiency. Also called: Congenital muscular dystrophy with integrin alpha-7 deficiency; Muscular dystrophy, congenital, due to ITGA7 deficiency; MYOPATHY, CONGENITAL, DUE TO INTEGRIN ALPHA-7 DEFICIENCY. Identifiers: Orphanet 34520, MedGen C2750786, MONDO:0013177, OMIM 613204.

Allele frequency attached by ClinVar (database versions not stated): ExAC 0.00001; gnomAD 0.00001; ESP Exome Variant Server 0.00008.
gnomAD v4.1: 1 of 1,609,590 alleles (0.000062%); highest among the groups gnomAD compares: African/African-American, 0.0013%; no homozygotes.

Submission:

Labcorp Genetics (formerly Invitae), Labcorp
Classification: Likely pathogenic for Congenital muscular dystrophy due to integrin alpha-7 deficiency. Last evaluated: 2023-04-29. Review status: criteria provided, single submitter. Criteria: Invitae Variant Classification Sherloc (09022015). Collection method: clinical testing. Allele origin: germline.
Comment: This sequence change affects an acceptor splice site in intron 22 of the ITGA7 gene. It is expected to disrupt RNA splicing. Variants that disrupt the donor or acceptor splice site typically lead to a loss of protein function (PMID: 16199547), and loss-of-function variants in ITGA7 are known to be pathogenic (PMID: 9590299). This variant is present in population databases (rs375897994, gnomAD 0.007%). This variant has not been reported in the literature in individuals affected with ITGA7-related conditions. Algorithms developed to predict the effect of sequence changes on RNA splicing suggest that this variant may disrupt the consensus splice site. In summary, the currently available evidence indicates that the variant is pathogenic, but additional data are needed to prove that conclusively. Therefore, this variant has been classified as Likely Pathogenic.

Literature cited by the submitters: PubMed 16199547; PubMed 9590299.

NM_002206.3(ITGA7):c.2959-2A>G

Gene: ITGA7 (integrin subunit alpha 7; minus strand). Cytogenetic location: 12q13.2.
Variant type: single nucleotide variant.
Coding change: c.2959-2A>G on transcript NM_002206.3 (MANE Select); the canonical splice acceptor site of the intron before coding-DNA position 2959, A replaced by G.
Molecular consequence: splice acceptor variant.
Genome position (GRCh38, 1-based): chr12:55,688,302, T>C on the plus strand (A>G on the coding strand, the complement: ITGA7 is on the minus strand). VCF-style: chr12-55688302-T-C. GRCh37 (hg19) VCF-style: chr12-56082086-T-C.
Other names: c.2680-2A>G (NM_001144997.2); c.2632-2A>G (NM_001367993.1); c.2620-2A>G (NM_001414035.1); c.2776-2A>G (NM_001414033.1); c.1615-2A>G (NM_001367994.1); c.2839-2A>G (NM_001414032.1); c.2872-2A>G (NM_001414031.1); c.2941-2A>G (NM_001374465.1); and 5 more.
Identifiers: ClinVar variation 3008981 (VCV003008981.3), dbSNP rs375897994, ClinGen allele CA6615387.